The following is an entry in ClinVar:

ClinVar aggregate classification (germline): Likely benign. Review status: criteria provided, multiple submitters, no conflicts (2 of 4 stars). 5 submissions from 5 submitters: Likely benign (4). 1 of the submissions does not count toward it. Last evaluated 2025-05-12.

Conditions:
KATNIP-related disorder. Also called: KATNIP-related condition.

Allele frequency attached by ClinVar (database versions not stated): gnomAD exomes 0.00013 and 0.00036; ExAC 0.00047; 1000 Genomes Project 30x 0.00078; 1000 Genomes Project 0.00080; gnomAD 0.00146 and 0.00157; TOPMed 0.00155; ESP Exome Variant Server 0.00215.
gnomAD v4.1: 399 of 1,613,656 alleles (0.025%); highest among the groups gnomAD compares: African/African-American, 0.49%; 1 homozygote.

Submissions (5):

Labcorp Genetics (formerly Invitae), Labcorp
Classification: Likely benign. Last evaluated: 2025-05-12. Review status: criteria provided, single submitter. Criteria: Invitae Variant Classification Sherloc (09022015). Collection method: clinical testing. Allele origin: germline.

Blueprint Genetics
Classification: Likely benign. Last evaluated: 2024-09-11. Review status: criteria provided, single submitter. Criteria: ACMG Guidelines, 2015. Collection method: clinical testing. Allele origin: germline.

Women's Health and Genetics/Laboratory Corporation of America, LabCorp
Classification: Likely benign. Last evaluated: 2023-11-27. Review status: criteria provided, single submitter. Criteria: LabCorp Variant Classification Summary - May 2015. Collection method: clinical testing. Allele origin: germline.
Comment: Variant summary: KIAA0556 c.4846C>T (p.Arg1616Trp) results in a non-conservative amino acid change in the encoded protein sequence. Three of five in-silico tools predict a benign effect of the variant on protein function. The variant allele was found at a frequency of 0.00025 in 1613656 control chromosomes, predominantly at a frequency of 0.0049 within the African or African-American subpopulation in the gnomAD database, including 1 homozygote. This frequency exceeds the expected frequency of pathogenic alleles for Joubert syndrome as a whole (0.0035), not accounting for the reduced contribution of alterations in the KIAA0556 gene to this condition (GeneReviews). To our knowledge, no occurrence of c.4846C>T in individuals affected with Joubert Syndrome 26 and no experimental evidence demonstrating its impact on protein function have been reported. One submitter has cited clinical-significance assessments for this variant to ClinVar after 2014 and has classified the variant as likely benign. Based on the evidence outlined above, the variant was classified as likely benign.

Ambry Genetics
Classification: Likely benign. Last evaluated: 2021-11-12. Review status: criteria provided, single submitter. Criteria: Ambry Variant Classification Scheme 2023. Collection method: clinical testing. Allele origin: germline.

PreventionGenetics, part of Exact Sciences
Classification: Likely benign for KATNIP-related condition. Last evaluated: 2024-08-08. Review status: no assertion criteria provided. Collection method: clinical testing. Allele origin: germline. Not counted in ClinVar's aggregate classification.
Comment: This variant is classified as likely benign based on ACMG/AMP sequence variant interpretation guidelines (Richards et al. 2015 PMID: 25741868, with internal and published modifications).

NM_015202.5(KATNIP):c.4846C>T (p.Arg1616Trp)

Gene: KATNIP (katanin interacting protein; plus strand). Cytogenetic location: 16p12.1.
Variant type: single nucleotide variant.
Coding change: c.4846C>T on transcript NM_015202.5 (MANE Select); coding-DNA position 4846, C replaced by T.
Protein change: p.Arg1616Trp; replaces arginine 1616 with tryptophan.
Molecular consequence: missense variant.
Genome position (GRCh38, 1-based): chr16:27,778,618, C>T. VCF-style: chr16-27778618-C-T. GRCh37 (hg19) VCF-style: chr16-27789939-C-T.
Other names: c.4846C>T (NM_015202.3); short protein forms R1616W.
Identifiers: ClinVar variation 727850 (VCV000727850.13), dbSNP rs142205612, ClinGen allele CA7978810.
Genomic context (GRCh38, chr16:27,778,618, plus strand): 5'-TTCCCTGTCATGACAGCCTTACGTCCCAAAACCTGCATCAGCGAGAAGGAGACGAGACGA[C>T]GGCGCTGCTGACTGGTGAAGGAGGGAGAGCTGGTCCTCCCACTATGGTGGGCTCCGTCAG-3'
Protein context (NP_056017.4, residues 1606-1618): TCISEKETRR[Arg1616Trp]RC